The following is an entry in ClinVar:

NM_001291815.2(HMCN2):c.12162C>T (p.Ile4054=)

Gene: HMCN2 (hemicentin 2; plus strand). Cytogenetic location: 9q34.11.
Variant type: single nucleotide variant.
Coding change: c.12162C>T on transcript NM_001291815.2 (MANE Select); coding-DNA position 12162, C replaced by T.
Protein change: p.Ile4054=; no amino-acid change (isoleucine 4054 retained).
Molecular consequence: synonymous variant.
Genome position (GRCh38, 1-based): chr9:130,404,882, C>T. VCF-style: chr9-130404882-C-T. GRCh37 (hg19) VCF-style: chr9-133280269-C-T.
Identifiers: ClinVar variation 2659600 (VCV002659600.24), dbSNP rs1029040969, ClinGen allele CA200616675.

ClinVar aggregate classification (germline): Likely benign (1 of 4 stars; one submission).

Allele frequency attached by ClinVar (database versions not stated): gnomAD 0.00001.
gnomAD v4.1: 38 of 1,261,260 alleles (0.003%); highest among the groups gnomAD compares: South Asian, 0.0039%; no homozygotes.

Submission:

CeGaT Center for Human Genetics Tuebingen
Classification: Likely benign. Last evaluated: 2022-07-01. Review status: criteria provided, single submitter. Criteria: CeGaT Center For Human Genetics Tuebingen Variant Classification Criteria Version 2. Collection method: clinical testing. Allele origin: germline. Affected: yes. Observed: 1 variant allele.
Comment: HMCN2: BP4, BP7